The following is an entry in ClinVar:

GRCh38/hg38 2q37.2-37.3(chr2:235268768-242126245)x3

Genes: LRRFIP1 (LRR binding FLII interacting protein 1; plus strand), MAB21L4 (mab-21 like 4; minus strand), MIR149 (microRNA 149; plus strand), MIR2467 (microRNA 2467; minus strand), MIR3133 (microRNA 3133; plus strand) and 308 more. Cytogenetic location: 2q37.2-37.3.
Variant type: copy number gain.
Change: copy number 3 (three copies instead of two) of chr2:235,268,768-242,126,245 (6.86 Mb, GRCh38 coordinates, 1-based), cytogenetic band 2q37.2-37.3.
Identifiers: ClinVar variation 59176 (VCV000059176.1).

ClinVar aggregate classification (germline): Pathogenic (1 of 4 stars; one submission).

Submission:

ISCA site 17
Classification: Pathogenic. Last evaluated: 2011-08-12. Review status: criteria provided, single submitter. Criteria: Kaminsky et al. (Genet Med. 2011). Collection method: clinical testing. Allele origin: unknown. Affected: yes. Observed: 1 variant allele.
Comment: Copy number variation identified through the course of routine clinical cytogenomic testing in postnatal populations. Clinical assertions have been curated as described in Kaminsky et al. 2011.